The following is an entry in ClinVar:

NM_152383.5(DIS3L2):c.845T>G (p.Leu282Arg)

Gene: DIS3L2 (DIS3 like 3'-5' exoribonuclease 2; plus strand). Cytogenetic location: 2q37.1.
Variant type: single nucleotide variant.
Coding change: c.845T>G on transcript NM_152383.5 (MANE Select); coding-DNA position 845, T replaced by G.
Protein change: p.Leu282Arg; replaces leucine 282 with arginine.
Molecular consequence: missense variant. On other transcripts: non-coding transcript variant (1).
Genome position (GRCh38, 1-based): chr2:232,136,614, T>G. VCF-style: chr2-232136614-T-G. GRCh37 (hg19) VCF-style: chr2-233001324-T-G.
Other names: c.845T>G, p.Leu282Arg (NM_001257281.2); short protein forms L282R.
Identifiers: ClinVar variation 2755242 (VCV002755242.3), dbSNP rs2469848555, ClinGen allele CA351153715.

ClinVar aggregate classification (germline): Uncertain significance (1 of 4 stars; one submission).

Conditions:
Perlman syndrome (PRLMNS). Identifiers: Orphanet 2849, MedGen C0796113, MONDO:0009965, OMIM 267000.

gnomAD v4.1: 2 of 1,613,986 alleles (0.00012%); highest among the groups gnomAD compares: South Asian, 0.0022%; no homozygotes.

Submission:

Labcorp Genetics (formerly Invitae), Labcorp
Classification: Uncertain significance for Perlman syndrome. Last evaluated: 2025-09-08. Review status: criteria provided, single submitter. Criteria: Invitae Variant Classification Sherloc (09022015). Collection method: clinical testing. Allele origin: germline.
Comment: This sequence change replaces leucine, which is neutral and non-polar, with arginine, which is basic and polar, at codon 282 of the DIS3L2 protein (p.Leu282Arg). This variant is not present in population databases (gnomAD no frequency). This variant has not been reported in the literature in individuals affected with DIS3L2-related conditions. ClinVar contains an entry for this variant (Variation ID: 2755242). Invitae Evidence Modeling of protein sequence and biophysical properties (such as structural, functional, and spatial information, amino acid conservation, physicochemical variation, residue mobility, and thermodynamic stability) indicates that this missense variant is not expected to disrupt DIS3L2 protein function with a negative predictive value of 80%. In summary, the available evidence is currently insufficient to determine the role of this variant in disease. Therefore, it has been classified as a Variant of Uncertain Significance.